The following is an entry in ClinVar:

ClinVar aggregate classification (germline): Likely pathogenic. Review status: criteria provided, multiple submitters, no conflicts (2 of 4 stars). 2 submissions from 2 submitters: Likely pathogenic (2). Last evaluated 2022-12-25.

Conditions:
Spinocerebellar ataxia type 6 (SCA6). Identifiers: Orphanet 98758, MedGen C0752124, MONDO:0008457, OMIM 183086.
Developmental and epileptic encephalopathy, 42 (DEE42A). Also called: Epileptic encephalopathy, early infantile, 42; DEVELOPMENTAL AND EPILEPTIC ENCEPHALOPATHY 42A; EPILEPTIC ENCEPHALOPATHY, EARLY INFANTILE, 42A. Identifiers: MedGen C4310716, MONDO:0014917, OMIM 617106.

Submissions (2):

Kariminejad - Najmabadi Pathology & Genetics Center
Classification: Likely pathogenic for Developmental and epileptic encephalopathy, 42; Spinocerebellar ataxia type 6. Last evaluated: 2022-12-25. Review status: criteria provided, single submitter. Criteria: ACMG Guidelines, 2015. Collection method: clinical testing. Allele origin: germline. Inheritance: Autosomal dominant inheritance. Affected: yes.
Comment: PP3_Moderatem,PM2,PM1?PP5?

GeneDx
Classification: Likely pathogenic. Last evaluated: 2016-10-14. Review status: criteria provided, single submitter. Criteria: GeneDx Variant Classification (06012015). Collection method: clinical testing. Allele origin: germline. Affected: yes.
Comment: The P1361Q variant in the CACNA1A gene has not been reported previously as a pathogenic variant, nor as a benign variant, to our knowledge. The P1361Q variant was not observed in approximately 6000 individuals of European and African American ancestry in the NHLBI Exome Sequencing Project, indicating it is not a common benign variant in these populations. The P1361Q variant is a non-conservative amino acid substitution, which is likely to impact secondary protein structure as these residues differ in polarity, charge, size and/or other properties. This substitution occurs at a position that is conserved across species, and in silico analysis predicts this variant is probably damaging to the protein structure/function. The P1361Q variant is a strong candidate for a pathogenic variant which may be related to the clinical features reported in this individual, however the possibility it may be a rare benign variant cannot be excluded.

NM_001127222.2(CACNA1A):c.4079C>A (p.Pro1360Gln)

Gene: CACNA1A (calcium voltage-gated channel subunit alpha1 A; minus strand). Cytogenetic location: 19p13.13.
Variant type: single nucleotide variant.
Coding change: c.4079C>A on transcript NM_001127222.2 (MANE Select); coding-DNA position 4079, C replaced by A.
Protein change: p.Pro1360Gln; replaces proline 1360 with glutamine.
Molecular consequence: missense variant.
Genome position (GRCh38, 1-based): chr19:13,262,744, G>T on the plus strand (C>A on the coding strand, the complement: CACNA1A is on the minus strand). VCF-style: chr19-13262744-G-T. GRCh37 (hg19) VCF-style: chr19-13373558-G-T.
Other names: c.4091C>A, p.Pro1364Gln (NM_000068.4, NM_023035.3); c.4082C>A, p.Pro1361Gln (NM_001127221.2, NM_001174080.2); short protein forms P1361Q, P1360Q, P1364Q.
Identifiers: ClinVar variation 422469 (VCV000422469.3), dbSNP rs1064795800, ClinGen allele CA16620785.